The following is an entry in ClinVar:

NM_000540.3(RYR1):c.1983G>T (p.Trp661Cys)

Gene: RYR1 (ryanodine receptor 1; plus strand). Cytogenetic location: 19q13.2.
Variant type: single nucleotide variant.
Coding change: c.1983G>T on transcript NM_000540.3 (MANE Select); coding-DNA position 1983, G replaced by T.
Protein change: p.Trp661Cys; replaces tryptophan 661 with cysteine.
Molecular consequence: missense variant.
Genome position (GRCh38, 1-based): chr19:38,458,108, G>T. VCF-style: chr19-38458108-G-T. GRCh37 (hg19) VCF-style: chr19-38948748-G-T.
Other names: c.1983G>T, p.Trp661Cys (NM_001042723.2); short protein forms W661C.
Identifiers: ClinVar variation 847184 (VCV000847184.10), dbSNP rs1305971341, ClinGen allele CA405695636.

ClinVar aggregate classification (germline): Uncertain significance. Review status: criteria provided, multiple submitters, no conflicts (2 of 4 stars). 2 submissions from 2 submitters: Uncertain significance (2). Last evaluated 2023-12-11.

Conditions:
RYR1-related disorder. Also called: RYR1-related disorders; RYR1-related condition. Identifiers: MedGen CN239331.

Submissions (2):

Labcorp Genetics (formerly Invitae), Labcorp
Classification: Uncertain significance for RYR1-related disorder. Last evaluated: 2023-12-11. Review status: criteria provided, single submitter. Criteria: Invitae Variant Classification Sherloc (09022015). Collection method: clinical testing. Allele origin: germline.
Comment: This sequence change replaces tryptophan, which is neutral and slightly polar, with cysteine, which is neutral and slightly polar, at codon 661 of the RYR1 protein (p.Trp661Cys). This variant is not present in population databases (gnomAD no frequency). This variant has not been reported in the literature in individuals affected with RYR1-related conditions. ClinVar contains an entry for this variant (Variation ID: 847184). Advanced modeling of protein sequence and biophysical properties (such as structural, functional, and spatial information, amino acid conservation, physicochemical variation, residue mobility, and thermodynamic stability) performed at Invitae indicates that this missense variant is expected to disrupt RYR1 protein function with a positive predictive value of 95%. In summary, the available evidence is currently insufficient to determine the role of this variant in disease. Therefore, it has been classified as a Variant of Uncertain Significance.

Athena Diagnostics
Classification: Uncertain significance. Last evaluated: 2021-05-05. Review status: criteria provided, single submitter. Criteria: Athena Diagnostics criteria. Collection method: clinical testing. Allele origin: unknown.